The following is an entry in ClinVar:

ClinVar aggregate classification (germline): Uncertain significance (1 of 4 stars; one submission).

Conditions:
Ehlers-Danlos syndrome, classic type, 1 (EDSCL1). Also called: EHLERS-DANLOS SYNDROME, GRAVIS TYPE; EHLERS-DANLOS SYNDROME, SEVERE CLASSIC TYPE; EDS I; Ehlers-Danlos Syndrome, Classic Type, COL5A1-Related; Ehlers-Danlos syndrome, type 1. Identifiers: MedGen C0268335, MONDO:0019567, OMIM 130000.

Submission:

Labcorp Genetics (formerly Invitae), Labcorp
Classification: Uncertain significance for Ehlers-Danlos syndrome, classic type, 1. Last evaluated: 2017-05-08. Review status: criteria provided, single submitter. Criteria: Invitae Variant Classification Sherloc (09022015). Collection method: clinical testing. Allele origin: germline.
Comment: This sequence change replaces aspartic acid with histidine at codon 1475 of the COL5A1 protein (p.Asp1475His). The aspartic acid residue is highly conserved and there is a moderate physicochemical difference between aspartic acid and histidine. This variant is not present in population databases (ExAC no frequency) and has not been reported in the literature in individuals with a COL5A1-related disease. Algorithms developed to predict the effect of missense changes on protein structure and function (SIFT, PolyPhen-2, Align-GVGD) all suggest that this variant is likely to be disruptive, but these predictions have not been confirmed by published functional studies. In summary, this variant is a novel missense change with uncertain impact on protein function. It has been classified as a Variant of Uncertain Significance.

NM_000093.5(COL5A1):c.4423G>C (p.Asp1475His)

Gene: COL5A1 (collagen type V alpha 1 chain; plus strand). Cytogenetic location: 9q34.3.
Variant type: single nucleotide variant.
Coding change: c.4423G>C on transcript NM_000093.5 (MANE Select); coding-DNA position 4423, G replaced by C.
Protein change: p.Asp1475His; replaces aspartic acid 1475 with histidine.
Molecular consequence: missense variant.
Genome position (GRCh38, 1-based): chr9:134,819,030, G>C. VCF-style: chr9-134819030-G-C. GRCh37 (hg19) VCF-style: chr9-137710876-G-C.
Other names: c.4423G>C, p.Asp1475His (NM_001278074.1); short protein forms D1475H.
Identifiers: ClinVar variation 459693 (VCV000459693.10), dbSNP rs1554806674, ClinGen allele CA375457532.
Genomic context (GRCh38, chr9:134,819,030, plus strand): 5'-GGACTCTGATCCCCCTGCCTCCTCCCACAGGGTCCCCCAGGACTTCCCGGCCTCAAAGGA[G>C]ATTCTGGTCCCAAAGGTGAAAAGGTAAGAGGGGCCTCCCTGCCCCAGCAACTGTGACTCG-3'
Protein context (NP_000084.3, residues 1465-1485): GPPGLPGLKG[Asp1475His]SGPKGEKGHP